The following is an entry in ClinVar:

ClinVar aggregate classification (germline): Uncertain significance (1 of 4 stars; one submission).

Submission:

Greenwood Genetic Center Diagnostic Laboratories, Greenwood Genetic Center
Classification: Uncertain significance. Last evaluated: 2026-04-28. Review status: criteria provided, single submitter. Criteria: ACMG Guidelines, 2015. Collection method: clinical testing. Allele origin: germline.
Comment: PM2, BP4

NM_001368397.1(FRMPD4):c.2024T>A (p.Leu675Gln)

Gene: FRMPD4 (FERM and PDZ domain containing 4; plus strand). Cytogenetic location: Xp22.2.
Variant type: single nucleotide variant.
Coding change: c.2024T>A on transcript NM_001368397.1 (MANE Select); coding-DNA position 2024, T replaced by A.
Protein change: p.Leu675Gln; replaces leucine 675 with glutamine.
Molecular consequence: missense variant.
Genome position (GRCh38, 1-based): chrX:12,716,483, T>A. VCF-style: chrX-12716483-T-A. GRCh37 (hg19) VCF-style: chrX-12734602-T-A.
Other names: c.2135T>A, p.Leu712Gln (NM_001368395.3, NM_001368398.3); c.2030T>A, p.Leu677Gln (NM_001368396.3); c.2015T>A, p.Leu672Gln (NM_001368399.3); c.1904T>A, p.Leu635Gln (NM_001368400.3); c.2000T>A, p.Leu667Gln (NM_001368401.1, NM_001368402.3); c.2024T>A, p.Leu675Gln (NM_014728.3); short protein forms L635Q, L667Q, L672Q, L675Q, L677Q, L712Q.
Identifiers: ClinVar variation 4891044 (VCV004891044.1).